The following is an entry in ClinVar:

NM_032141.4(NSRP1):c.388C>T (p.Arg130Ter)

Gene: NSRP1 (nuclear speckle splicing regulatory protein 1; plus strand). Cytogenetic location: 17q11.2.
Variant type: single nucleotide variant.
Coding change: c.388C>T on transcript NM_032141.4 (MANE Select); coding-DNA position 388, C replaced by T.
Protein change: p.Arg130Ter; replaces arginine 130 with a stop codon.
Molecular consequence: nonsense.
Genome position (GRCh38, 1-based): chr17:30,179,177, C>T. VCF-style: chr17-30179177-C-T. GRCh37 (hg19) VCF-style: chr17-28506195-C-T.
Other names: c.226C>T, p.Arg76Ter (NM_001261467.2); short protein forms R130*, R76*.
Identifiers: ClinVar variation 4975877 (VCV004975877.1).

ClinVar aggregate classification (germline): Uncertain significance (1 of 4 stars; one submission).

Submission:

GeneDx
Classification: Uncertain significance. Last evaluated: 2026-02-03. Review status: criteria provided, single submitter. Criteria: GeneDx Variant Classification Process June 2021. Collection method: clinical testing. Allele origin: germline.
Comment: Not observed at significant frequency in large population cohorts (gnomAD); Has not been previously published as pathogenic or benign to our knowledge; Nonsense variant predicted to result in protein truncation or nonsense mediated decay in a gene or region of a gene for which loss of function is not an established mechanism of disease